The following is an entry in ClinVar:

ClinVar aggregate classification (germline): Uncertain significance (1 of 4 stars; one submission).

Submission:

GeneDx
Classification: Uncertain significance. Last evaluated: 2025-06-05. Review status: criteria provided, single submitter. Criteria: GeneDx Variant Classification Process June 2021. Collection method: clinical testing. Allele origin: germline. Affected: yes.
Comment: Not observed at significant frequency in large population cohorts (gnomAD); Missense variant in a gene in which most reported pathogenic variants are truncating/loss of function; Has not been previously published as pathogenic or benign to our knowledge

NM_001267550.2(TTN):c.25313T>C (p.Leu8438Pro)

Gene: TTN (titin; minus strand). Cytogenetic location: 2q31.2.
Variant type: single nucleotide variant.
Coding change: c.25313T>C on transcript NM_001267550.2 (MANE Select); coding-DNA position 25313, T replaced by C.
Protein change: p.Leu8438Pro; replaces leucine 8438 with proline.
Molecular consequence: missense variant. On other transcripts: intron variant (3).
Genome position (GRCh38, 1-based): chr2:178,717,561, A>G on the plus strand (T>C on the coding strand, the complement: TTN is on the minus strand). VCF-style: chr2-178717561-A-G. GRCh37 (hg19) VCF-style: chr2-179582288-A-G.
Other names: c.24362T>C, p.Leu8121Pro (NM_001256850.1); c.21581T>C, p.Leu7194Pro (NM_133378.4); c.13282+20521T>C (NM_003319.4); c.13858+20521T>C (NM_133437.4); c.13657+20521T>C (NM_133432.3); short protein forms L7194P, L8121P, L8438P.
Identifiers: ClinVar variation 4536600 (VCV004536600.1).
Genomic context (GRCh38, chr2:178,717,561, plus strand): 5'-GAGGGTACTGTGAGTTACTCACCTGAGAGAATGAGCTTGGCACTGGATGAAGCAGTCCCA[A>G]GAGGATTAGAAGCAGAGCAATTATACTGCCCTATGTGGCTCTGGTCAGTTTGTAAAATCT-3'
Protein context (NP_001254479.2, residues 8428-8448): GQYNCSASNP[Leu8438Pro]GTASSSAKLI